The following is an entry in ClinVar:

NM_001385125.1(OPN1SW):c.581G>A (p.Ser194Asn)

Gene: OPN1SW (opsin 1, short wave sensitive; minus strand). Cytogenetic location: 7q32.1.
Variant type: single nucleotide variant.
Coding change: c.581G>A on transcript NM_001385125.1 (MANE Select); coding-DNA position 581, G replaced by A.
Protein change: p.Ser194Asn; replaces serine 194 with asparagine.
Molecular consequence: missense variant.
Genome position (GRCh38, 1-based): chr7:128,774,595, C>T on the plus strand (G>A on the coding strand, the complement: OPN1SW is on the minus strand). VCF-style: chr7-128774595-C-T. GRCh37 (hg19) VCF-style: chr7-128414649-C-T.
Other names: short protein forms S194N.
Identifiers: ClinVar variation 1493304 (VCV001493304.8), dbSNP rs2128886044, ClinGen allele CA369218819.
Genomic context (GRCh38, chr7:128,774,595, plus strand): 5'-CAGATGAGGGAGAGAGGCACAATGAAGCAGAAGATGAAGAGGAACCACGTATAGGACTCG[C>T]TGCGGTATTTGGTGCCCACGGTGTACCAGTCAGGGCCACAGGAACACTGCAGGCCCTCAG-3'
Protein context (NP_001372054.1, residues 184-204): DWYTVGTKYR[Ser194Asn]ESYTWFLFIF

ClinVar aggregate classification (germline): Uncertain significance (1 of 4 stars; one submission).

Submission:

Labcorp Genetics (formerly Invitae), Labcorp
Classification: Uncertain significance. Last evaluated: 2022-09-01. Review status: criteria provided, single submitter. Criteria: Invitae Variant Classification Sherloc (09022015). Collection method: clinical testing. Allele origin: germline.
Comment: In summary, the available evidence is currently insufficient to determine the role of this variant in disease. Therefore, it has been classified as a Variant of Uncertain Significance. Algorithms developed to predict the effect of missense changes on protein structure and function (SIFT, PolyPhen-2, Align-GVGD) all suggest that this variant is likely to be disruptive. ClinVar contains an entry for this variant (Variation ID: 1493304). This variant has not been reported in the literature in individuals affected with OPN1SW-related conditions. This variant is not present in population databases (gnomAD no frequency). This sequence change replaces serine, which is neutral and polar, with asparagine, which is neutral and polar, at codon 197 of the OPN1SW protein (p.Ser197Asn).